The following is an entry in ClinVar:

ClinVar aggregate classification (germline): Uncertain significance. Review status: criteria provided, multiple submitters, no conflicts (2 of 4 stars). 2 submissions from 2 submitters: Uncertain significance (2). Last evaluated 2022-05-26.

Conditions:
Mosaic variegated aneuploidy syndrome 1 (MVA1). Also called: Warburton-Anyane-Yeboa syndrome. Identifiers: Orphanet 1052, MedGen C1850343, MONDO:0009759, OMIM 257300.
Inborn genetic diseases. Identifiers: MedGen C0950123, MeSH D030342.

Allele frequency attached by ClinVar (database versions not stated): gnomAD exomes below 0.00001; gnomAD 0.00001; TOPMed 0.00001.
gnomAD v4.1: 5 of 1,614,032 alleles (0.00031%); highest among the groups gnomAD compares: African/African-American, 0.0027%; no homozygotes.

Submissions (2):

Ambry Genetics
Classification: Uncertain significance for Inborn genetic diseases. Last evaluated: 2022-05-26. Review status: criteria provided, single submitter. Criteria: Ambry Variant Classification Scheme 2023. Collection method: clinical testing. Allele origin: germline.
Comment: The p.T315I variant (also known as c.944C>T), located in coding exon 7 of the BUB1B gene, results from a C to T substitution at nucleotide position 944. The threonine at codon 315 is replaced by isoleucine, an amino acid with similar properties. This amino acid position is conserved. In addition, this alteration is predicted to be tolerated by in silico analysis. Since supporting evidence is limited at this time, the clinical significance of this alteration remains unclear.

Labcorp Genetics (formerly Invitae), Labcorp
Classification: Uncertain significance for Mosaic variegated aneuploidy syndrome 1. Last evaluated: 2019-11-21. Review status: criteria provided, single submitter. Criteria: Invitae Variant Classification Sherloc (09022015). Collection method: clinical testing. Allele origin: germline.
Comment: This variant is not present in population databases (ExAC no frequency). This variant has not been reported in the literature in individuals with BUB1B-related conditions. Algorithms developed to predict the effect of missense changes on protein structure and function output the following: SIFT: "Tolerated"; PolyPhen-2: "Benign"; Align-GVGD: "Class C0". The isoleucine amino acid residue is found in multiple mammalian species, suggesting that this missense change does not adversely affect protein function. These predictions have not been confirmed by published functional studies and their clinical significance is uncertain. In summary, the available evidence is currently insufficient to determine the role of this variant in disease. Therefore, it has been classified as a Variant of Uncertain Significance. This sequence change replaces threonine with isoleucine at codon 315 of the BUB1B protein (p.Thr315Ile). The threonine residue is weakly conserved and there is a moderate physicochemical difference between threonine and isoleucine.

NM_001211.6(BUB1B):c.944C>T (p.Thr315Ile)

Gene: BUB1B (BUB1 mitotic checkpoint serine/threonine kinase B; plus strand). Cytogenetic location: 15q15.1.
Variant type: single nucleotide variant.
Coding change: c.944C>T on transcript NM_001211.6 (MANE Select); coding-DNA position 944, C replaced by T.
Protein change: p.Thr315Ile; replaces threonine 315 with isoleucine.
Molecular consequence: missense variant.
Genome position (GRCh38, 1-based): chr15:40,185,357, C>T. VCF-style: chr15-40185357-C-T. GRCh37 (hg19) VCF-style: chr15-40477558-C-T.
Other names: short protein forms T315I.
Identifiers: ClinVar variation 639311 (VCV000639311.13), dbSNP rs1369363382, ClinGen allele CA391684809.